The following is an entry in ClinVar:

ClinVar aggregate classification (germline): Conflicting classifications of pathogenicity. Review status: criteria provided, conflicting classifications (1 of 4 stars). 17 submissions from 16 submitters: Uncertain significance (9); Benign (1); Likely benign (3). 4 of the submissions do not count toward it. Last evaluated 2026-09-01.

Conditions:
Arthrogryposis multiplex congenita 3, myogenic type. Also called: ARTHROGRYPOSIS MULTIPLEX CONGENITA, MYOGENIC TYPE. Identifiers: MedGen C5193121, MONDO:0032778, OMIM 618484.
SYNE1-related disorder. Also called: SYNE1-related disorders; SYNE1-related disease; SYNE1-related condition.
Inborn genetic diseases. Identifiers: MedGen C0950123, MeSH D030342.
Autosomal recessive ataxia, Beauce type. Also called: ATAXIA, RECESSIVE, OF BEAUCE; SYNE1-Related Autosomal Recessive Cerebellar Ataxia; Spinocerebellar ataxia, autosomal recessive 8; SYNE1 Deficiency. Identifiers: Orphanet 88644, MedGen C1853116, MONDO:0012549, OMIM 610743.
Emery-Dreifuss muscular dystrophy 4, autosomal dominant (EDMD4). Also called: EMERY-DREIFUSS MUSCULAR DYSTROPHY 4 WITH VARIABLE FEATURES. Identifiers: Orphanet 261, MedGen C2751807, MONDO:0013071, OMIM 612998.
Intellectual disability. Also called: intellectual disabilities; Intellectual functioning disability; Intellectual developmental disorder. Identifiers: MedGen C3714756, MeSH D008607, MONDO:0001071, HP:0001249.

Allele frequency attached by ClinVar (database versions not stated): 1000 Genomes Project 30x 0.00016; TOPMed 0.00059.
gnomAD v4.1: 1,021 of 1,614,132 alleles (0.063%); highest among the groups gnomAD compares: Middle Eastern, 0.35%; 1 homozygote.

Submissions (17):

CeGaT Center for Human Genetics Tuebingen
Classification: Likely benign. Last evaluated: 2026-09-01. Review status: criteria provided, single submitter. Criteria: CeGaT Center For Human Genetics Tuebingen Variant Classification Criteria Version 2. Collection method: clinical testing. Allele origin: germline. Affected: yes. Observed: 13 variant alleles.
Comment: SYNE1: BP4

Revvity Omics, Revvity
Classification: Uncertain significance. Last evaluated: 2025-03-13. Review status: criteria provided, single submitter. Criteria: ACMG Guidelines, 2015. Collection method: clinical testing. Allele origin: germline.

Labcorp Genetics (formerly Invitae), Labcorp
Classification: Uncertain significance for Emery-Dreifuss muscular dystrophy 4, autosomal dominant; Autosomal recessive ataxia, Beauce type. Last evaluated: 2025-01-29. Review status: criteria provided, single submitter. Criteria: Invitae Variant Classification Sherloc (09022015). Collection method: clinical testing. Allele origin: germline.
Comment: This sequence change replaces arginine, which is basic and polar, with cysteine, which is neutral and slightly polar, at codon 5591 of the SYNE1 protein (p.Arg5591Cys). This variant is present in population databases (rs145899734, gnomAD 0.1%), and has an allele count higher than expected for a pathogenic variant. This variant has not been reported in the literature in individuals affected with SYNE1-related conditions. ClinVar contains an entry for this variant (Variation ID: 284474). An algorithm developed to predict the effect of missense changes on protein structure and function outputs the following: PolyPhen-2: "Benign". The cysteine amino acid residue is found in multiple mammalian species, which suggests that this missense change does not adversely affect protein function. In summary, the available evidence is currently insufficient to determine the role of this variant in disease. Therefore, it has been classified as a Variant of Uncertain Significance.

Blueprint Genetics
Classification: Likely benign. Last evaluated: 2024-11-24. Review status: criteria provided, single submitter. Criteria: ACMG Guidelines, 2015. Collection method: clinical testing. Allele origin: germline.

GeneDx
Classification: Uncertain significance. Last evaluated: 2024-10-07. Review status: criteria provided, single submitter. Criteria: GeneDx Variant Classification Process June 2021. Collection method: clinical testing. Allele origin: germline. Affected: yes.
Comment: In silico analysis supports that this missense variant has a deleterious effect on protein structure/function; Has not been previously published as pathogenic or benign to our knowledge; This variant is associated with the following publications: (PMID: 27178001, 27086870)

PreventionGenetics, part of Exact Sciences
Classification: Uncertain significance for SYNE1-related condition. Last evaluated: 2023-03-16. Review status: criteria provided, single submitter. Criteria: ACMG Guidelines, 2015. Collection method: clinical testing. Allele origin: germline.
Comment: The SYNE1 c.16771C>T variant is predicted to result in the amino acid substitution p.Arg5591Cys. To our knowledge, this variant has not been reported in the literature. This variant is reported in 0.10% of alleles in individuals of European (Non-Finnish) descent in gnomAD. Although we suspect that this variant may be benign, at this time, the clinical significance of this variant is uncertain due to the absence of conclusive functional and genetic evidence.

Ambry Genetics
Classification: Uncertain significance for Inborn genetic diseases. Last evaluated: 2021-08-16. Review status: criteria provided, single submitter. Criteria: Ambry Variant Classification Scheme 2023. Collection method: clinical testing. Allele origin: germline.

Johns Hopkins Genomics, Johns Hopkins University
Classification: Uncertain significance for Autosomal recessive ataxia, Beauce type. Last evaluated: 2020-11-03. Review status: criteria provided, single submitter. Criteria: ACMG Guidelines, 2015. Collection method: clinical testing. Allele origin: germline.

Athena Diagnostics
Classification: Likely benign. Last evaluated: 2020-07-31. Review status: criteria provided, single submitter. Criteria: Athena Diagnostics Criteria. Collection method: clinical testing. Allele origin: unknown.

Baylor Genetics
Classification: Uncertain significance for Arthrogryposis multiplex congenita 3, myogenic type. Last evaluated: 2020-06-08. Review status: criteria provided, single submitter. Criteria: ACMG Guidelines, 2015. Collection method: clinical testing. Allele origin: unknown. Affected: yes.
Comment: This variant was determined to be of uncertain significance according to ACMG Guidelines, 2015 [PMID:25741868].

Illumina Laboratory Services, Illumina
Classification: Uncertain significance for Autosomal recessive ataxia, Beauce type. Last evaluated: 2018-01-12. Review status: criteria provided, single submitter. Criteria: ICSL Variant Classification Criteria 13 December 2019. Collection method: clinical testing. Allele origin: germline.

Illumina Laboratory Services, Illumina
Classification: Benign for Emery-Dreifuss muscular dystrophy 4, autosomal dominant. Last evaluated: 2018-01-12. Review status: criteria provided, single submitter. Criteria: ICSL Variant Classification Criteria 13 December 2019. Collection method: clinical testing. Allele origin: germline.
Comment: This variant was observed in the ICSL laboratory as part of a predisposition screen in an ostensibly healthy population. It had not been previously curated by ICSL or reported in the Human Gene Mutation Database (HGMD: prior to June 1st, 2018), and was therefore a candidate for classification through an automated scoring system. Utilizing variant allele frequency, disease prevalence and penetrance estimates, and inheritance mode, an automated score was calculated to assess if this variant is too frequent to cause the disease. Based on the score and internal cut-off values, a variant classified as benign is not then subjected to further curation. The score for this variant resulted in a classification of benign for this disease.

Eurofins Ntd Llc (ga)
Classification: Uncertain significance. Last evaluated: 2016-12-23. Review status: criteria provided, single submitter. Criteria: EGL Classification Definitions 2015. Collection method: clinical testing. Allele origin: germline. Observed: 10 variant alleles, 10 heterozygotes.

Centre de Biologie Pathologie Génétique, Centre Hospitalier Universitaire de Lille
Classification: Likely benign for Intellectual disability. Last evaluated: 2019-01-01. Review status: no assertion criteria provided. Collection method: clinical testing. Allele origin: inherited. Affected: yes. Not counted in ClinVar's aggregate classification.

Clinical Genetics DNA and cytogenetics Diagnostics Lab, Erasmus MC, Erasmus Medical Center
Classification: Uncertain significance. Review status: no assertion criteria provided. Collection method: clinical testing. Allele origin: germline. Affected: yes. Study: VKGL Data-share Consensus. Not counted in ClinVar's aggregate classification.

Diagnostic Laboratory, Department of Genetics, University Medical Center Groningen
Classification: Uncertain significance. Review status: no assertion criteria provided. Collection method: clinical testing. Allele origin: germline. Affected: yes. Study: VKGL Data-share Consensus. Not counted in ClinVar's aggregate classification.

Laboratory of Diagnostic Genome Analysis, Leiden University Medical Center (LUMC)
Classification: Uncertain significance. Review status: no assertion criteria provided. Collection method: clinical testing. Allele origin: germline. Affected: yes. Study: VKGL Data-share Consensus. Not counted in ClinVar's aggregate classification.

Literature cited by the submitters: PubMed 27086870 (cited by Johns Hopkins Genomics, Johns Hopkins University); PubMed 27178001 (cited by Johns Hopkins Genomics, Johns Hopkins University).

NM_182961.4(SYNE1):c.16984C>T (p.Arg5662Cys)

Genes: SYNE1 (spectrin repeat containing nuclear envelope protein 1; minus strand), LOC126859837 (BRD4-independent group 4 enhancer GRCh37_chr6:152630775-152631974; plus strand). Cytogenetic location: 6q25.2.
Variant type: single nucleotide variant.
Coding change: c.16984C>T on transcript NM_182961.4 (MANE Select); coding-DNA position 16984, C replaced by T.
Protein change: p.Arg5662Cys; replaces arginine 5662 with cysteine.
Molecular consequence: missense variant.
Genome position (GRCh38, 1-based): chr6:152,310,431, G>A on the plus strand (C>T on the coding strand, the complement: SYNE1 is on the minus strand). VCF-style: chr6-152310431-G-A. GRCh37 (hg19) VCF-style: chr6-152631566-G-A.
Other names: c.16771C>T, p.Arg5591Cys (NM_033071.5); short protein forms R5591C, R5662C.
Identifiers: ClinVar variation 284474 (VCV000284474.77), dbSNP rs145899734, ClinGen allele CA4055383.